The following is an entry in ClinVar:

ClinVar aggregate classification (germline): Uncertain significance (1 of 4 stars; one submission).

Conditions:
Hereditary cancer-predisposing syndrome. Also called: Tumor predisposition; Neoplastic Syndromes, Hereditary; Hereditary Cancer Syndrome; Hereditary neoplastic syndrome. Identifiers: Orphanet 140162, MedGen C0027672, MeSH D009386, MONDO:0015356.

Submission:

Ambry Genetics
Classification: Uncertain significance for Hereditary cancer-predisposing syndrome. Last evaluated: 2025-02-08. Review status: criteria provided, single submitter. Criteria: Ambry Variant Classification Scheme 2023. Collection method: clinical testing. Allele origin: germline.
Comment: The p.A19S variant (also known as c.55G>T), located in coding exon 1 of the PHOX2B gene, results from a G to T substitution at nucleotide position 55. The alanine at codon 19 is replaced by serine, an amino acid with similar properties. This amino acid position is conserved. In addition, the in silico prediction for this alteration is inconclusive. Based on the available evidence, the clinical significance of this variant remains unclear.

NM_003924.4(PHOX2B):c.55G>T (p.Ala19Ser)

Genes: PHOX2B-AS1 (PHOX2B antisense RNA 1; plus strand), PHOX2B (paired like homeobox 2B; minus strand). Cytogenetic location: 4p13.
Variant type: single nucleotide variant.
Coding change: c.55G>T on transcript NM_003924.4 (MANE Select); coding-DNA position 55, G replaced by T.
Protein change: p.Ala19Ser; replaces alanine 19 with serine.
Molecular consequence: missense variant. On other transcripts: non-coding transcript variant (1).
Genome position (GRCh38, 1-based): chr4:41,748,556, C>A on the plus strand (G>T on the coding strand, the complement: PHOX2B is on the minus strand). VCF-style: chr4-41748556-C-A. GRCh37 (hg19) VCF-style: chr4-41750573-C-A.
Other names: short protein forms A19S.
Identifiers: ClinVar variation 3888485 (VCV003888485.1).
Genomic context (GRCh38, chr4:41,748,556, plus strand): 5'-CCTGGCTGCAGGAACTGAAGTCAGCATAGGCTGAAGCCAGGCTCGAGGTGTCCATCCCAG[C>A]CATACAGGACTCGTAGGCAGAGGAATTGAGGTAAGAATATTCCATTTTATACATTGAAAA-3'
Protein context (NP_003915.2, residues 9-29): LNSSAYESCM[Ala19Ser]GMDTSSLASA